The following is an entry in ClinVar:

NM_013382.7(POMT2):c.1045C>T (p.Arg349Trp)

Gene: POMT2 (protein O-mannosyltransferase 2; minus strand). Cytogenetic location: 14q24.3.
Variant type: single nucleotide variant.
Coding change: c.1045C>T on transcript NM_013382.7 (MANE Select); coding-DNA position 1045, C replaced by T.
Protein change: p.Arg349Trp; replaces arginine 349 with tryptophan.
Molecular consequence: missense variant.
Genome position (GRCh38, 1-based): chr14:77,296,235, G>A on the plus strand (C>T on the coding strand, the complement: POMT2 is on the minus strand). VCF-style: chr14-77296235-G-A. GRCh37 (hg19) VCF-style: chr14-77762578-G-A.
Other names: short protein forms R349W.
Identifiers: ClinVar variation 79628 (VCV000079628.28), dbSNP rs141339355, ClinGen allele CA248160.

ClinVar aggregate classification (germline): Conflicting classifications of pathogenicity. Review status: criteria provided, conflicting classifications (1 of 4 stars). 6 submissions from 6 submitters: Uncertain significance (4); Likely benign (2). Last evaluated 2026-08-27.

Conditions:
Muscular dystrophy-dystroglycanopathy (congenital with brain and eye anomalies), type A2. Also called: MUSCULAR DYSTROPHY-DYSTROGLYCANOPATHY (CONGENITAL WITH BRAIN AND EYE ANOMALIES), TYPE A, 2; WALKER-WARBURG SYNDROME OR MUSCLE-EYE-BRAIN DISEASE, POMT2-RELATED. Identifiers: Orphanet 588, Orphanet 899, MedGen C3150411, MONDO:0013154, OMIM 613150.
Muscular dystrophy-dystroglycanopathy (congenital with impaired intellectual development), type B, 2. Also called: Muscular dystrophy-dystroglycanopathy (congenital with intellectual disability), type B2; MUSCULAR DYSTROPHY, CONGENITAL, POMT2-RELATED. Identifiers: MedGen C3150416, MONDO:0013160, OMIM 613156.
Autosomal recessive limb-girdle muscular dystrophy type 2N. Also called: Muscular dystrophy-dystroglycanopathy (limb-girdle), type C, 2; MUSCULAR DYSTROPHY-DYSTROGLYCANOPATHY, LIMB-GIRDLE, POMT2-RELATED. Identifiers: Orphanet 206559, MedGen C3150418, MONDO:0013162, OMIM 613158.

Allele frequency attached by ClinVar (database versions not stated): gnomAD exomes 0.00023; ExAC 0.00047; ESP Exome Variant Server 0.00077; gnomAD 0.00078 and 0.00083; TOPMed 0.00088; 1000 Genomes Project 0.00100; 1000 Genomes Project 30x 0.00125.

Submissions (6):

GeneDx
Classification: Uncertain significance. Last evaluated: 2026-08-27. Review status: criteria provided, single submitter. Criteria: GeneDx Variant Classification Process June 2021. Collection method: clinical testing. Allele origin: germline.
Comment: In silico analysis supports that this missense variant has a deleterious effect on protein structure/function; Has not been previously published as pathogenic or benign to our knowledge; This variant is associated with the following publications: (PMID: 32906206, 30564623)

Labcorp Genetics (formerly Invitae), Labcorp
Classification: Likely benign for Muscular dystrophy-dystroglycanopathy (congenital with impaired intellectual development), type B, 2; Muscular dystrophy-dystroglycanopathy (congenital with brain and eye anomalies), type A2; Autosomal recessive limb-girdle muscular dystrophy type 2N. Last evaluated: 2026-01-24. Review status: criteria provided, single submitter. Criteria: Invitae Variant Classification Sherloc (09022015). Collection method: clinical testing. Allele origin: germline.

Women's Health and Genetics/Laboratory Corporation of America, LabCorp
Classification: Likely benign. Last evaluated: 2025-12-26. Review status: criteria provided, single submitter. Criteria: LabCorp Variant Classification Summary - May 2015. Collection method: clinical testing. Allele origin: germline.
Comment: Variant summary: POMT2 c.1045C>T (p.Arg349Trp) results in a non-conservative amino acid change in the encoded protein sequence. Algorithms developed to predict the effect of missense changes on protein structure and function all suggest that this variant is likely to be disruptive. The variant allele was found at a frequency of 0.00023 in 238848 control chromosomes, predominantly at a frequency of 0.003 within the African or African-American subpopulation in the gnomAD database. The observed variant frequency within African or African-American control individuals in the gnomAD database exceeds the estimated maximal expected allele frequency for disease-causing variants in POMT2. To our knowledge, no occurrence of c.1045C>T in individuals affected with POMT2-related conditions and no experimental evidence demonstrating its impact on protein function have been reported. ClinVar contains an entry for this variant (Variation ID: 79628). Based on the evidence outlined above, the variant was classified as likely benign.

Revvity Omics, Revvity
Classification: Uncertain significance. Last evaluated: 2025-04-23. Review status: criteria provided, single submitter. Criteria: ACMG Guidelines, 2015. Collection method: clinical testing. Allele origin: germline.

Athena Diagnostics
Classification: Uncertain significance. Last evaluated: 2018-01-25. Review status: criteria provided, single submitter. Criteria: Athena Diagnostics Criteria. Collection method: clinical testing. Allele origin: germline.

Eurofins Ntd Llc (ga)
Classification: Uncertain significance. Last evaluated: 2017-12-22. Review status: criteria provided, single submitter. Criteria: EGL Classification Definitions 2015. Collection method: clinical testing. Allele origin: germline. Observed: 7 variant alleles, 7 heterozygotes.